The following is an entry in ClinVar:

ClinVar aggregate classification (germline): Likely pathogenic (1 of 4 stars; one submission).

Allele frequency attached by ClinVar (database versions not stated): gnomAD exomes below 0.00001.
gnomAD v4.1: 2 of 1,614,042 alleles (0.00012%); highest among the groups gnomAD compares: African/African-American, 0.0027%; no homozygotes.

Submission:

Labcorp Genetics (formerly Invitae), Labcorp
Classification: Likely pathogenic. Last evaluated: 2025-10-08. Review status: criteria provided, single submitter. Criteria: Invitae Variant Classification Sherloc (09022015). Collection method: clinical testing. Allele origin: germline.
Comment: This sequence change affects a donor splice site in intron 5 of the MERTK gene. It is expected to disrupt RNA splicing. Variants that disrupt the donor or acceptor splice site typically lead to a loss of protein function (PMID: 16199547), and loss-of-function variants in MERTK are known to be pathogenic (PMID: 24265693, 29659094). This variant is not present in population databases (gnomAD no frequency). This variant has not been reported in the literature in individuals affected with MERTK-related conditions. ClinVar contains an entry for this variant (Variation ID: 943681). In summary, the currently available evidence indicates that the variant is pathogenic, but additional data are needed to prove that conclusively. Therefore, this variant has been classified as Likely Pathogenic.

Literature cited by the submitters: PubMed 16199547; PubMed 24265693; PubMed 29659094.

NM_006343.3(MERTK):c.844+2T>C

Gene: MERTK (MER proto-oncogene, tyrosine kinase; plus strand). Cytogenetic location: 2q13.
Variant type: single nucleotide variant.
Coding change: c.844+2T>C on transcript NM_006343.3 (MANE Select); the canonical splice donor site of the intron after coding-DNA position 844, T replaced by C.
Molecular consequence: splice donor variant.
Genome position (GRCh38, 1-based): chr2:111,965,279, T>C. VCF-style: chr2-111965279-T-C. GRCh37 (hg19) VCF-style: chr2-112722856-T-C.
Identifiers: ClinVar variation 943681 (VCV000943681.8), dbSNP rs1685339034, ClinGen allele CA348231206.